The following is an entry in ClinVar:

ClinVar aggregate classification (germline): Pathogenic. Review status: criteria provided, single submitter (1 of 4 stars). 2 submissions from 2 submitters: Pathogenic (1). 1 of the submissions does not count toward it. Last evaluated 2024-12-10.

Allele frequency attached by ClinVar (database versions not stated): TOPMed 0.00002.

Submissions (2):

Labcorp Genetics (formerly Invitae), Labcorp
Classification: Pathogenic. Last evaluated: 2024-12-10. Review status: criteria provided, single submitter. Criteria: Invitae Variant Classification Sherloc (09022015). Collection method: clinical testing. Allele origin: germline.
Comment: This sequence change replaces tryptophan, which is neutral and slightly polar, with leucine, which is neutral and non-polar, at codon 1408 of the ABCA4 protein (p.Trp1408Leu). This variant is not present in population databases (gnomAD no frequency). This missense change has been observed in individuals with clinical features of Stargardt disease (PMID: 10206579, 11328725, 25066811; internal data). ClinVar contains an entry for this variant (Variation ID: 99261). Invitae Evidence Modeling of protein sequence and biophysical properties (such as structural, functional, and spatial information, amino acid conservation, physicochemical variation, residue mobility, and thermodynamic stability) indicates that this missense variant is expected to disrupt ABCA4 protein function with a positive predictive value of 95%. Experimental studies are conflicting or provide insufficient evidence to determine the effect of this variant on ABCA4 function (PMID: 20404325). Algorithms developed to predict the effect of sequence changes on RNA splicing suggest that this variant may disrupt the consensus splice site. This variant disrupts the p.Trp1408 amino acid residue in ABCA4. Other variant(s) that disrupt this residue have been determined to be pathogenic (PMID: 9973280, 11687513, 28559085, 29925512). This suggests that this residue is clinically significant, and that variants that disrupt this residue are likely to be disease-causing. For these reasons, this variant has been classified as Pathogenic.

Retina International
No classification provided. Review status: no classification provided. Collection method: not provided. Allele origin: not provided. Not counted in ClinVar's aggregate classification.

Literature cited by the submitters: PubMed 10206579 (cited by Labcorp Genetics (formerly Invitae), Labcorp); PubMed 11328725 (cited by Labcorp Genetics (formerly Invitae), Labcorp); PubMed 25066811 (cited by Labcorp Genetics (formerly Invitae), Labcorp); PubMed 20404325 (cited by Labcorp Genetics (formerly Invitae), Labcorp); PubMed 9973280 (cited by Labcorp Genetics (formerly Invitae), Labcorp); PubMed 11687513 (cited by Labcorp Genetics (formerly Invitae), Labcorp); PubMed 28559085 (cited by Labcorp Genetics (formerly Invitae), Labcorp); PubMed 29925512 (cited by Labcorp Genetics (formerly Invitae), Labcorp).

NM_000350.3(ABCA4):c.4223G>T (p.Trp1408Leu)

Gene: ABCA4 (ATP binding cassette subfamily A member 4; minus strand). Cytogenetic location: 1p22.1.
Variant type: single nucleotide variant.
Coding change: c.4223G>T on transcript NM_000350.3 (MANE Select); coding-DNA position 4223, G replaced by T.
Protein change: p.Trp1408Leu; replaces tryptophan 1408 with leucine.
Molecular consequence: missense variant.
Genome position (GRCh38, 1-based): chr1:94,031,026, C>A on the plus strand (G>T on the coding strand, the complement: ABCA4 is on the minus strand). VCF-style: chr1-94031026-C-A. GRCh37 (hg19) VCF-style: chr1-94496582-C-A.
Other names: c.4001G>T, p.Trp1334Leu (NM_001425324.1); short protein forms W1408L, W1334L.
Identifiers: ClinVar variation 99261 (VCV000099261.10), dbSNP rs61750134, ClinGen allele CA227167.